The following is an entry in ClinVar:

NM_014159.7(SETD2):c.4037G>T (p.Gly1346Val)

Gene: SETD2 (SET domain containing 2, histone lysine methyltransferase; minus strand). Cytogenetic location: 3p21.31.
Variant type: single nucleotide variant.
Coding change: c.4037G>T on transcript NM_014159.7 (MANE Select); coding-DNA position 4037, G replaced by T.
Protein change: p.Gly1346Val; replaces glycine 1346 with valine.
Molecular consequence: missense variant. On other transcripts: non-coding transcript variant (1).
Genome position (GRCh38, 1-based): chr3:47,120,599, C>A on the plus strand (G>T on the coding strand, the complement: SETD2 is on the minus strand). VCF-style: chr3-47120599-C-A. GRCh37 (hg19) VCF-style: chr3-47162089-C-A.
Other names: c.3905G>T, p.Gly1302Val (NM_001349370.3); short protein forms G1346V, G1302V.
Identifiers: ClinVar variation 3710005 (VCV003710005.2).
Genomic context (GRCh38, chr3:47,120,599, plus strand): 5'-GACCCCTTGTCTTTCTGAAGGGATAGAAGAAATTTATCGGACTGGTCTGAAAAATGGGAT[C>A]CATCCTGTTGATCCCAATTCTCCTCTTCTTCACGATCATCTGTTAGGGAATCTGGTACTT-3'
Protein context (NP_054878.5, residues 1336-1356): EEEENWDQQD[Gly1346Val]SHFSDQSDKF

ClinVar aggregate classification (germline): Uncertain significance (1 of 4 stars; one submission).

Conditions:
Luscan-Lumish syndrome. Identifiers: Orphanet 597738, MedGen C4085873, MONDO:0014791, OMIM 616831.

gnomAD v4.1: 40 of 1,613,936 alleles (0.0025%); highest among the groups gnomAD compares: Non-Finnish European, 0.0032%; no homozygotes.

Submission:

Labcorp Genetics (formerly Invitae), Labcorp
Classification: Uncertain significance for Luscan-Lumish syndrome. Last evaluated: 2024-06-01. Review status: criteria provided, single submitter. Criteria: Invitae Variant Classification Sherloc (09022015). Collection method: clinical testing. Allele origin: germline.
Comment: This sequence change replaces glycine, which is neutral and non-polar, with valine, which is neutral and non-polar, at codon 1346 of the SETD2 protein (p.Gly1346Val). This variant is present in population databases (no rsID available, gnomAD 0.0009%). This variant has not been reported in the literature in individuals affected with SETD2-related conditions. Advanced modeling of protein sequence and biophysical properties (such as structural, functional, and spatial information, amino acid conservation, physicochemical variation, residue mobility, and thermodynamic stability) performed at Invitae indicates that this missense variant is not expected to disrupt SETD2 protein function with a negative predictive value of 80%. In summary, the available evidence is currently insufficient to determine the role of this variant in disease. Therefore, it has been classified as a Variant of Uncertain Significance.